The following is an entry in ClinVar:

ClinVar aggregate classification (germline): Uncertain significance (1 of 4 stars; one submission).

Submission:

Labcorp Genetics (formerly Invitae), Labcorp
Classification: Uncertain significance. Last evaluated: 2025-07-30. Review status: criteria provided, single submitter. Criteria: Invitae Variant Classification Sherloc (09022015). Collection method: clinical testing. Allele origin: germline.
Comment: This sequence change replaces alanine, which is neutral and non-polar, with glutamic acid, which is acidic and polar, at codon 294 of the A2ML1 protein (p.Ala294Glu). This variant is not present in population databases (gnomAD no frequency). This variant has not been reported in the literature in individuals affected with A2ML1-related conditions. An algorithm developed to predict the effect of missense changes on protein structure and function (PolyPhen-2) suggests that this variant is likely to be tolerated. In summary, the available evidence is currently insufficient to determine the role of this variant in disease. Therefore, it has been classified as a Variant of Uncertain Significance.

NM_144670.6(A2ML1):c.881C>A (p.Ala294Glu)

Gene: A2ML1 (alpha-2-macroglobulin like 1; plus strand). Cytogenetic location: 12p13.31.
Variant type: single nucleotide variant.
Coding change: c.881C>A on transcript NM_144670.6 (MANE Select); coding-DNA position 881, C replaced by A.
Protein change: p.Ala294Glu; replaces alanine 294 with glutamic acid.
Molecular consequence: missense variant.
Genome position (GRCh38, 1-based): chr12:8,838,361, C>A. VCF-style: chr12-8838361-C-A. GRCh37 (hg19) VCF-style: chr12-8990957-C-A.
Other names: short protein forms A294E.
Identifiers: ClinVar variation 4724401 (VCV004724401.1).